The following is an entry in ClinVar:

ClinVar aggregate classification (germline): Benign/Likely benign. Review status: criteria provided, multiple submitters, no conflicts (2 of 4 stars). 4 submissions from 4 submitters: Benign (1); Likely benign (3). Last evaluated 2026-01-26.

Conditions:
Inborn genetic diseases. Identifiers: MedGen C0950123, MeSH D030342.

Allele frequency attached by ClinVar (database versions not stated): gnomAD exomes 0.00028 and 0.00049; ExAC 0.00050; ESP Exome Variant Server 0.00062; gnomAD 0.00094 and 0.00100; 1000 Genomes Project 0.00100; 1000 Genomes Project 30x 0.00109; TOPMed 0.00125.

Submissions (4):

Labcorp Genetics (formerly Invitae), Labcorp
Classification: Benign. Last evaluated: 2026-01-26. Review status: criteria provided, single submitter. Criteria: Invitae Variant Classification Sherloc (09022015). Collection method: clinical testing. Allele origin: germline.

CeGaT Center for Human Genetics Tuebingen
Classification: Likely benign. Last evaluated: 2025-10-01. Review status: criteria provided, single submitter. Criteria: CeGaT Center For Human Genetics Tuebingen Variant Classification Criteria Version 2. Collection method: clinical testing. Allele origin: germline. Affected: yes. Observed: 13 variant alleles.
Comment: MDH2: BP4, BP7

Blueprint Genetics
Classification: Likely benign. Last evaluated: 2024-10-16. Review status: criteria provided, single submitter. Criteria: ACMG Guidelines, 2015. Collection method: clinical testing. Allele origin: germline.

Ambry Genetics
Classification: Likely benign for Inborn genetic diseases. Last evaluated: 2022-02-12. Review status: criteria provided, single submitter. Criteria: Ambry Variant Classification Scheme 2023. Collection method: clinical testing. Allele origin: germline.

NM_005918.4(MDH2):c.999C>T (p.Phe333=)

Gene: MDH2 (malate dehydrogenase 2; plus strand). Cytogenetic location: 7q11.23.
Variant type: single nucleotide variant.
Coding change: c.999C>T on transcript NM_005918.4 (MANE Select); coding-DNA position 999, C replaced by T.
Protein change: p.Phe333=; no amino-acid change (phenylalanine 333 retained).
Molecular consequence: synonymous variant.
Genome position (GRCh38, 1-based): chr7:76,066,392, C>T. VCF-style: chr7-76066392-C-T. GRCh37 (hg19) VCF-style: chr7-75695710-C-T.
Other names: c.873C>T, p.Phe291= (NM_001282403.2); c.678C>T, p.Phe226= (NM_001282404.2).
Identifiers: ClinVar variation 724398 (VCV000724398.49), dbSNP rs146761624, ClinGen allele CA4305789.